The following is an entry in ClinVar:

NM_001387263.1(PATL2):c.102_113del (p.Glu38_Glu41del)

Gene: PATL2 (PAT1 homolog 2; minus strand). Cytogenetic location: 15q21.1.
Variant type: Deletion.
Coding change: c.102_113del on transcript NM_001387263.1 (MANE Select); coding-DNA positions 102 to 113, 12 bases deleted (GGAGGAGGAGGA).
Protein change: p.Glu38_Glu41del.
Molecular consequence: inframe deletion. On other transcripts: intron variant (1).
Genome position (GRCh38, 1-based): chr15:44,675,595-44,675,606, TCCTCCTCCTCC deleted on the plus strand (GGAGGAGGAGGA on the coding strand, the reverse complement: PATL2 is on the minus strand). VCF-style (leftmost placement, unchanged base first): chr15-44675594-TTCCTCCTCCTCC-T. GRCh37 (hg19) VCF-style: chr15-44967792-TTCCTCCTCCTCC-T.
Other names: c.102_113del, p.Glu38_Glu41del (NM_001145112.2, NM_001387260.1, NM_001387261.1 and 2 more transcripts); c.-467+869_-467+880del (NM_001330283.2).
Identifiers: ClinVar variation 3025136 (VCV003025136.22), dbSNP rs778192563, ClinGen allele CA7536219.

ClinVar aggregate classification (germline): Uncertain significance (1 of 4 stars; one submission).

Allele frequency attached by ClinVar (database versions not stated): gnomAD exomes 0.00011; ExAC 0.00049; gnomAD 0.00106; ESP Exome Variant Server 0.00256.

Submission:

CeGaT Center for Human Genetics Tuebingen
Classification: Uncertain significance. Last evaluated: 2023-12-01. Review status: criteria provided, single submitter. Criteria: CeGaT Center For Human Genetics Tuebingen Variant Classification Criteria Version 2. Collection method: clinical testing. Allele origin: germline. Affected: yes. Observed: 1 variant allele.
Comment: PATL2: PM4